The following is an entry in ClinVar:

ClinVar aggregate classification (germline): Likely pathogenic (1 of 4 stars; one submission).

Conditions:
Dilated cardiomyopathy 1O (CMD1O). Also called: CARDIOMYOPATHY, DILATED, WITH VENTRICULAR TACHYCARDIA. Identifiers: Orphanet 154, MedGen C1837839, MONDO:0012062, OMIM 608569.

Submission:

Labcorp Genetics (formerly Invitae), Labcorp
Classification: Likely pathogenic for Dilated cardiomyopathy 1O. Last evaluated: 2026-01-21. Review status: criteria provided, single submitter. Criteria: Invitae Variant Classification Sherloc (09022015). Collection method: clinical testing. Allele origin: germline.
Comment: This sequence change affects a donor splice site in intron 4 of the ABCC9 gene. It is expected to disrupt RNA splicing. Variants that disrupt the donor or acceptor splice site typically lead to a loss of protein function (PMID: 16199547), and loss-of-function variants in ABCC9 are known to be pathogenic (PMID: 31575858, 38217872). This variant is not present in population databases (gnomAD no frequency). This variant has not been reported in the literature in individuals affected with ABCC9-related conditions. Algorithms developed to predict the effect of sequence changes on RNA splicing suggest that this variant may disrupt the consensus splice site. In summary, the currently available evidence indicates that the variant is pathogenic, but additional data are needed to prove that conclusively. Therefore, this variant has been classified as Likely Pathogenic.

Literature cited by the submitters: PubMed 16199547; PubMed 31575858; PubMed 38217872.

NM_020297.4(ABCC9):c.573+1G>T

Gene: ABCC9 (ATP binding cassette subfamily C member 9; minus strand). Cytogenetic location: 12p12.1.
Variant type: single nucleotide variant.
Coding change: c.573+1G>T on transcript NM_020297.4 (MANE Select); the canonical splice donor site of the intron after coding-DNA position 573, G replaced by T.
Molecular consequence: splice donor variant. On other transcripts: intron variant (1).
Genome position (GRCh38, 1-based): chr12:21,916,936, C>A on the plus strand (G>T on the coding strand, the complement: ABCC9 is on the minus strand). VCF-style: chr12-21916936-C-A. GRCh37 (hg19) VCF-style: chr12-22069870-C-A.
Other names: c.-48-3870G>T (NM_001377274.1); c.573+1G>T (NM_005691.4, NM_001377273.1).
Identifiers: ClinVar variation 4811001 (VCV004811001.1).
Genomic context (GRCh38, chr12:21,916,936, plus strand): 5'-GTAATCTTTCATATTGGGGTCTTGAATCCAAGTAACTAAACAAAAGCCATTAGCTACCTA[C>A]CCTGACTCGAATGACATTGATCTCCACAGCCATCAAGAGCCCATTCAAGATGACCATCAT-3'